The following is an entry in ClinVar:

NM_000342.4(SLC4A1):c.1300C>T (p.Gln434Ter)

Gene: SLC4A1 (solute carrier family 4 member 1 (Diego blood group); minus strand). Cytogenetic location: 17q21.31.
Variant type: single nucleotide variant.
Coding change: c.1300C>T on transcript NM_000342.4 (MANE Select); coding-DNA position 1300, C replaced by T.
Protein change: p.Gln434Ter; replaces glutamine 434 with a stop codon.
Molecular consequence: nonsense.
Genome position (GRCh38, 1-based): chr17:44,257,790, G>A on the plus strand (C>T on the coding strand, the complement: SLC4A1 is on the minus strand). VCF-style: chr17-44257790-G-A. GRCh37 (hg19) VCF-style: chr17-42335158-G-A.
Other names: short protein forms Q434*.
Identifiers: ClinVar variation 4730013 (VCV004730013.2).
Genomic context (GRCh38, chr17:44,257,790, plus strand): 5'-GCAGGGCGAAGAGAATGCCCTGCACTGCAGTGGAGATCAGCAGCTCCGACACTCCCATCT[G>A]GTTCCGGGTCTTTTCTCCTGTGGGTAGAGGTCACAGTGGGATCAAGGTCAGGAGATCATT-3'

ClinVar aggregate classification (germline): Pathogenic/Likely pathogenic. Review status: criteria provided, multiple submitters, no conflicts (2 of 4 stars). 2 submissions from 2 submitters: Pathogenic (1); Likely pathogenic (1). Last evaluated 2025-10-27.

Conditions:
SLC4A1-related disorder. Also called: SLC4A1-related disorders; SLC4A1-related condition.

Submissions (2):

Labcorp Genetics (formerly Invitae), Labcorp
Classification: Pathogenic. Last evaluated: 2025-10-27. Review status: criteria provided, single submitter. Criteria: Invitae Variant Classification Sherloc (09022015). Collection method: clinical testing. Allele origin: germline.
Comment: This sequence change creates a premature translational stop signal (p.Gln434*) in the SLC4A1 gene. It is expected to result in an absent or disrupted protein product. Loss-of-function variants in SLC4A1 are known to be pathogenic (PMID: 8943874, 10926824, 23255290). This variant is not present in population databases (gnomAD no frequency). This variant has not been reported in the literature in individuals affected with SLC4A1-related conditions. For these reasons, this variant has been classified as Pathogenic.

Blueprint Genetics
Classification: Likely pathogenic for SLC4A1-related disorders. Last evaluated: 2020-09-22. Review status: criteria provided, single submitter. Criteria: ACMG Guidelines, 2015. Collection method: clinical testing. Allele origin: germline. Affected: yes. Observed: 1 variant allele.

Literature cited by the submitters: PubMed 8943874 (cited by Labcorp Genetics (formerly Invitae), Labcorp); PubMed 10926824 (cited by Labcorp Genetics (formerly Invitae), Labcorp); PubMed 23255290 (cited by Labcorp Genetics (formerly Invitae), Labcorp).